The following is an entry in ClinVar:

ClinVar aggregate classification (germline): Uncertain significance (1 of 4 stars; one submission).

Conditions:
Intellectual developmental disorder, X-linked 1. Also called: Intellectual disability, X-linked 1; Atkin Flaitz Patil Smith syndrome; MENTAL RETARDATION, X-LINKED 18; MENTAL RETARDATION, X-LINKED 78. Identifiers: Orphanet 777, MedGen C2931498, MONDO:0010656, OMIM 309530.

Submission:

Labcorp Genetics (formerly Invitae), Labcorp
Classification: Uncertain significance for Intellectual developmental disorder, X-linked 1. Last evaluated: 2021-02-15. Review status: criteria provided, single submitter. Criteria: Invitae Variant Classification Sherloc (09022015). Collection method: clinical testing. Allele origin: germline.
Comment: This variant is not present in population databases (ExAC no frequency). In summary, the available evidence is currently insufficient to determine the role of this variant in disease. Therefore, it has been classified as a Variant of Uncertain Significance. Advanced modeling of protein sequence and biophysical properties (such as structural, functional, and spatial information, amino acid conservation, physicochemical variation, residue mobility, and thermodynamic stability) performed at Invitae indicates that this missense variant is expected to disrupt IQSEC2 protein function. This variant has not been reported in the literature in individuals with IQSEC2-related conditions. This sequence change replaces alanine with aspartic acid at codon 859 of the IQSEC2 protein (p.Ala859Asp). The alanine residue is highly conserved and there is a moderate physicochemical difference between alanine and aspartic acid.

NM_001111125.3(IQSEC2):c.2576C>A (p.Ala859Asp)

Gene: IQSEC2 (IQ motif and Sec7 domain ArfGEF 2; minus strand). Cytogenetic location: Xp11.22.
Variant type: single nucleotide variant.
Coding change: c.2576C>A on transcript NM_001111125.3 (MANE Select); coding-DNA position 2576, C replaced by A.
Protein change: p.Ala859Asp; replaces alanine 859 with aspartic acid.
Molecular consequence: missense variant.
Genome position (GRCh38, 1-based): chrX:53,248,120, G>T on the plus strand (C>A on the coding strand, the complement: IQSEC2 is on the minus strand). VCF-style: chrX-53248120-G-T. GRCh37 (hg19) VCF-style: chrX-53277302-G-T.
Other names: c.1961C>A, p.Ala654Asp (NM_015075.2); short protein forms A654D, A859D.
Identifiers: ClinVar variation 1480529 (VCV001480529.8), dbSNP rs2074335191, ClinGen allele CA413156808.
Genomic context (GRCh38, chrX:53,248,120, plus strand): 5'-ACGTCGATGCCCACAGGAGGGAGGGGCAGCTTCGCGAGTGGGAGGTAGGCACACCTGAAG[G>T]CTTCGATGAGTCGCTCCACTTTCTGGGCCTCACCCTGAACCCGGATATGGGACTGGAACT-3'
Protein context (NP_001104595.1, residues 849-869): EAQKVERLIE[Ala859Asp]FSQRYCVCNP